The following is an entry in ClinVar:

NM_020458.4(TTC7A):c.764+1G>A

Gene: TTC7A (tetratricopeptide repeat domain 7A; plus strand). Cytogenetic location: 2p21.
Variant type: single nucleotide variant.
Coding change: c.764+1G>A on transcript NM_020458.4 (MANE Select); the canonical splice donor site of the intron after coding-DNA position 764, G replaced by A.
Molecular consequence: splice donor variant.
Genome position (GRCh38, 1-based): chr2:46,978,908, G>A. VCF-style: chr2-46978908-G-A. GRCh37 (hg19) VCF-style: chr2-47206047-G-A.
Other names: c.662+1G>A (NM_001288953.2); c.764+1G>A (NM_001288951.2); c.-141+1G>A (NM_001288955.2).
Identifiers: ClinVar variation 4776294 (VCV004776294.1).

ClinVar aggregate classification (germline): Likely pathogenic (1 of 4 stars; one submission).

Conditions:
Multiple gastrointestinal atresias. Also called: FAMILIAL INTESTINAL POLYATRESIA SYNDROME; Multiple intestinal atresia. Identifiers: Orphanet 2300, MedGen C0220744, MONDO:0009465.

gnomAD v4.1: 2 of 1,609,738 alleles (0.00012%); highest among the groups gnomAD compares: Non-Finnish European, 0.000085%; no homozygotes.

Submission:

Labcorp Genetics (formerly Invitae), Labcorp
Classification: Likely pathogenic for Multiple gastrointestinal atresias. Last evaluated: 2025-10-22. Review status: criteria provided, single submitter. Criteria: Invitae Variant Classification Sherloc (09022015). Collection method: clinical testing. Allele origin: germline.
Comment: This sequence change affects a donor splice site in intron 5 of the TTC7A gene. It is expected to disrupt RNA splicing. Variants that disrupt the donor or acceptor splice site typically lead to a loss of protein function (PMID: 16199547), and loss-of-function variants in TTC7A are known to be pathogenic (PMID: 23830146, 24292712). This variant is present in population databases (no rsID available, gnomAD 0.0009%). This variant has not been reported in the literature in individuals affected with TTC7A-related conditions. Algorithms developed to predict the effect of sequence changes on RNA splicing suggest that this variant may disrupt the consensus splice site. In summary, the currently available evidence indicates that the variant is pathogenic, but additional data are needed to prove that conclusively. Therefore, this variant has been classified as Likely Pathogenic.

Literature cited by the submitters: PubMed 16199547; PubMed 23830146; PubMed 24292712.